The following is an entry in ClinVar:

NM_001148.6(ANK2):c.10363G>C (p.Gly3455Arg)

Gene: ANK2 (ankyrin 2; plus strand). Cytogenetic location: 4q26.
Variant type: single nucleotide variant.
Coding change: c.10363G>C on transcript NM_001148.6 (MANE Select); coding-DNA position 10363, G replaced by C.
Protein change: p.Gly3455Arg; replaces glycine 3455 with arginine.
Molecular consequence: missense variant. On other transcripts: intron variant (68).
Genome position (GRCh38, 1-based): chr4:113,358,981, G>C. VCF-style: chr4-113358981-G-C. GRCh37 (hg19) VCF-style: chr4-114280137-G-C.
Other names: c.10129G>C, p.Gly3377Arg (NM_001386142.1); c.6763G>C, p.Gly2255Arg (NM_001386166.1); c.10504G>C, p.Gly3502Arg (NM_001386174.1); c.10480G>C, p.Gly3494Arg (NM_001386175.1); c.4412-1842G>C (NM_001386186.2, NM_001386148.2); c.4214-1842G>C (NM_001354269.3); c.4292-1842G>C (NM_001386187.2); c.4253-1842G>C (NM_001386147.1); and 35 more; short protein forms G3494R, G3502R, G3377R, G3455R, G2255R.
Identifiers: ClinVar variation 1361577 (VCV001361577.8), dbSNP rs766996807, ClinGen allele CA357940247.

ClinVar aggregate classification (germline): Uncertain significance (1 of 4 stars; one submission).

Conditions:
Long QT syndrome (LQTS). Identifiers: MedGen C0023976, MeSH D008133, MONDO:0002442. Disease mechanism: loss of function. Inheritance: Various modes of inheritance.

Allele frequency attached by ClinVar (database versions not stated): gnomAD 0.00001.
gnomAD v4.1: 42 of 1,613,960 alleles (0.0026%); highest among the groups gnomAD compares: Non-Finnish European, 0.0036%; no homozygotes.

Submission:

Labcorp Genetics (formerly Invitae), Labcorp
Classification: Uncertain significance for Long QT syndrome. Last evaluated: 2021-03-13. Review status: criteria provided, single submitter. Criteria: Invitae Variant Classification Sherloc (09022015). Collection method: clinical testing. Allele origin: germline.
Comment: Algorithms developed to predict the effect of missense changes on protein structure and function (SIFT, PolyPhen-2, Align-GVGD) all suggest that this variant is likely to be tolerated, but these predictions have not been confirmed by published functional studies and their clinical significance is uncertain. In summary, the available evidence is currently insufficient to determine the role of this variant in disease. Therefore, it has been classified as a Variant of Uncertain Significance. This variant has not been reported in the literature in individuals with ANK2-related conditions. This variant is not present in population databases (ExAC no frequency). This sequence change replaces glycine with arginine at codon 3455 of the ANK2 protein (p.Gly3455Arg). The glycine residue is weakly conserved and there is a moderate physicochemical difference between glycine and arginine.